The following is an entry in ClinVar:

NM_001122630.2(CDKN1C):c.754G>A (p.Ala252Thr)

Gene: CDKN1C (cyclin dependent kinase inhibitor 1C; minus strand). Cytogenetic location: 11p15.4.
Variant type: single nucleotide variant.
Coding change: c.754G>A on transcript NM_001122630.2 (MANE Select); coding-DNA position 754, G replaced by A.
Protein change: p.Ala252Thr; replaces alanine 252 with threonine.
Molecular consequence: missense variant. On other transcripts: intron variant (1).
Genome position (GRCh38, 1-based): chr11:2,884,703, C>T on the plus strand (G>A on the coding strand, the complement: CDKN1C is on the minus strand). VCF-style: chr11-2884703-C-T. GRCh37 (hg19) VCF-style: chr11-2905933-C-T.
Other names: c.787G>A, p.Ala263Thr (NM_000076.2, NM_001362474.2); c.754G>A, p.Ala252Thr (NM_001122631.2); c.255+499G>A (NM_001362475.2); short protein forms A263T, A252T.
Identifiers: ClinVar variation 2838673 (VCV002838673.3), dbSNP rs1848916990, ClinGen allele CA379145583.
Genomic context (GRCh38, chr11:2,884,703, plus strand): 5'-GCCGGGGCGGGGCCGTGCGGGGCTCACCGGAGATCAGAGGCCCGGACAGCTTCTTGATCG[C>T]CGCGCCGTTGGCGCTGGCGGCCGCGGTGCCGGCCGCGGGACGTCCCGAAATCCCCGAGTG-3'
Protein context (NP_001116102.1, residues 242-262): GTAAASANGA[Ala252Thr]IKKLSGPLIS

ClinVar aggregate classification (germline): Uncertain significance (1 of 4 stars; one submission).

Conditions:
Beckwith-Wiedemann syndrome (BWS). Also called: Exomphalos macroglossia gigantism syndrome; EMG SYNDROME. Identifiers: Orphanet 116, MedGen C0004903, MONDO:0007534, OMIM 130650.

Submission:

Labcorp Genetics (formerly Invitae), Labcorp
Classification: Uncertain significance for Beckwith-Wiedemann syndrome. Last evaluated: 2023-02-18. Review status: criteria provided, single submitter. Criteria: Invitae Variant Classification Sherloc (09022015). Collection method: clinical testing. Allele origin: germline.
Comment: In summary, the available evidence is currently insufficient to determine the role of this variant in disease. Therefore, it has been classified as a Variant of Uncertain Significance. Advanced modeling of protein sequence and biophysical properties (such as structural, functional, and spatial information, amino acid conservation, physicochemical variation, residue mobility, and thermodynamic stability) performed at Invitae indicates that this missense variant is not expected to disrupt CDKN1C protein function. This variant has not been reported in the literature in individuals affected with CDKN1C-related conditions. This variant is not present in population databases (gnomAD no frequency). This sequence change replaces alanine, which is neutral and non-polar, with threonine, which is neutral and polar, at codon 263 of the CDKN1C protein (p.Ala263Thr).